The following is an entry in ClinVar:

NM_000400.4(ERCC2):c.1866C>T (p.Gly622=)

Gene: ERCC2 (ERCC excision repair 2, TFIIH core complex helicase subunit; minus strand). Cytogenetic location: 19q13.32.
Variant type: single nucleotide variant.
Coding change: c.1866C>T on transcript NM_000400.4 (MANE Select); coding-DNA position 1866, C replaced by T.
Protein change: p.Gly622=; no amino-acid change (glycine 622 retained).
Molecular consequence: synonymous variant.
Genome position (GRCh38, 1-based): chr19:45,352,782, G>A on the plus strand (C>T on the coding strand, the complement: ERCC2 is on the minus strand). VCF-style: chr19-45352782-G-A. GRCh37 (hg19) VCF-style: chr19-45856040-G-A.
Identifiers: ClinVar variation 709003 (VCV000709003.56), dbSNP rs16979773, ClinGen allele CA9513021.

ClinVar aggregate classification (germline): Conflicting classifications of pathogenicity. Review status: criteria provided, conflicting classifications (1 of 4 stars). 7 submissions from 7 submitters: Uncertain significance (1); Benign (1); Likely benign (5). Last evaluated 2026-07-01.

Conditions:
Inborn genetic diseases. Identifiers: MedGen C0950123, MeSH D030342.
Xeroderma pigmentosum (XP). Identifiers: Orphanet 910, MedGen C0043346, MONDO:0019600.
Xeroderma pigmentosum, group D (XPD). Also called: XERODERMA PIGMENTOSUM IV; XP, GROUP D; XP, GROUP H; XERODERMA PIGMENTOSUM, COMPLEMENTATION GROUP D; ERCC2-Related Xeroderma Pigmentosum. Identifiers: MedGen C0268138, MONDO:0010212, OMIM 278730.

Allele frequency attached by ClinVar (database versions not stated): 1000 Genomes Project 30x 0.00031; 1000 Genomes Project 0.00040; TOPMed 0.00040; gnomAD 0.00042 and 0.00044; gnomAD exomes 0.00043 and 0.00063; ExAC 0.00056; ESP Exome Variant Server 0.00100.
gnomAD v4.1: 710 of 1,610,596 alleles (0.044%); highest among the groups gnomAD compares: Middle Eastern, 0.13%; no homozygotes.

Submissions (7):

CeGaT Center for Human Genetics Tuebingen
Classification: Likely benign. Last evaluated: 2026-07-01. Review status: criteria provided, single submitter. Criteria: CeGaT Center For Human Genetics Tuebingen Variant Classification Criteria Version 2. Collection method: clinical testing. Allele origin: germline. Affected: yes. Observed: 10 variant alleles.
Comment: ERCC2: BP4, BP7

Labcorp Genetics (formerly Invitae), Labcorp
Classification: Likely benign. Last evaluated: 2026-01-27. Review status: criteria provided, single submitter. Criteria: Invitae Variant Classification Sherloc (09022015). Collection method: clinical testing. Allele origin: germline.

Blueprint Genetics
Classification: Likely benign. Last evaluated: 2024-11-27. Review status: criteria provided, single submitter. Criteria: ACMG Guidelines, 2015. Collection method: clinical testing. Allele origin: germline.

Ambry Genetics
Classification: Likely benign for Inborn genetic diseases. Last evaluated: 2022-02-12. Review status: criteria provided, single submitter. Criteria: Ambry Variant Classification Scheme 2023. Collection method: clinical testing. Allele origin: germline.

Sema4
Classification: Likely benign for Xeroderma pigmentosum. Last evaluated: 2021-05-28. Review status: criteria provided, single submitter. Criteria: Sema4 Curation Guidelines. Collection method: curation. Allele origin: germline.

Athena Diagnostics
Classification: Benign. Last evaluated: 2019-07-01. Review status: criteria provided, single submitter. Criteria: Athena Diagnostics Criteria. Collection method: clinical testing. Allele origin: germline.

Illumina Laboratory Services, Illumina
Classification: Uncertain significance for Xeroderma pigmentosum, group D. Last evaluated: 2018-01-12. Review status: criteria provided, single submitter. Criteria: ICSL Variant Classification Criteria 13 December 2019. Collection method: clinical testing. Allele origin: germline.